The following is an entry in ClinVar:

ClinVar aggregate classification (germline): Uncertain significance (1 of 4 stars; one submission).

gnomAD v4.1: 4 of 1,528,052 alleles (0.00026%); highest among the groups gnomAD compares: African/African-American, 0.0066%; 1 homozygote.

Submission:

Mayo Clinic Laboratories, Mayo Clinic
Classification: Uncertain significance. Last evaluated: 2023-08-08. Review status: criteria provided, single submitter. Criteria: ACMG Guidelines, 2015. Collection method: clinical testing. Allele origin: germline. Observed: 2 variant alleles.
Comment: PM2

NM_021023.6(CFHR3):c.613+1G>A

Gene: CFHR3 (complement factor H related 3; plus strand). Cytogenetic location: 1q31.3.
Variant type: single nucleotide variant.
Coding change: c.613+1G>A on transcript NM_021023.6 (MANE Select); the canonical splice donor site of the intron after coding-DNA position 613, G replaced by A.
Molecular consequence: splice donor variant. On other transcripts: intron variant (1).
Genome position (GRCh38, 1-based): chr1:196,788,399, G>A. VCF-style: chr1-196788399-G-A. GRCh37 (hg19) VCF-style: chr1-196757529-G-A.
Other names: c.431-1646G>A (NM_001166624.2).
Identifiers: ClinVar variation 3380323 (VCV003380323.1).
Genomic context (GRCh38, chr1:196,788,399, plus strand): 5'-ATTCTTCAGGATCAATTACATGTTTGCAAAATGGATGGTCAGCACAACCAATTTGCATTA[G>A]TAAGTGATTTACATATTCCCATTCAGTTTCTGTCAACTTCGTTCCTCTCTTTGAGATGAT-3'